The following is an entry in ClinVar:

ClinVar aggregate classification (germline): Uncertain significance (1 of 4 stars; one submission).

Allele frequency attached by ClinVar (database versions not stated): gnomAD exomes below 0.00001; gnomAD 0.00001; TOPMed 0.00001; ExAC 0.00002.
gnomAD v4.1: 6 of 1,600,014 alleles (0.00037%); highest among the groups gnomAD compares: East Asian, 0.0067%; 1 homozygote.

Submission:

Labcorp Genetics (formerly Invitae), Labcorp
Classification: Uncertain significance. Last evaluated: 2022-02-11. Review status: criteria provided, single submitter. Criteria: Invitae Variant Classification Sherloc (09022015). Collection method: clinical testing. Allele origin: germline.
Comment: This sequence change replaces threonine, which is neutral and polar, with alanine, which is neutral and non-polar, at codon 261 of the PROM1 protein (p.Thr261Ala). This variant is present in population databases (rs780178374, gnomAD 0.01%). This variant has not been reported in the literature in individuals affected with PROM1-related conditions. Algorithms developed to predict the effect of missense changes on protein structure and function output the following: SIFT: "Tolerated"; PolyPhen-2: "Benign"; Align-GVGD: "Class C0". The alanine amino acid residue is found in multiple mammalian species, which suggests that this missense change does not adversely affect protein function. In summary, the available evidence is currently insufficient to determine the role of this variant in disease. Therefore, it has been classified as a Variant of Uncertain Significance.

NM_006017.3(PROM1):c.781A>G (p.Thr261Ala)

Gene: PROM1 (prominin 1; minus strand). Cytogenetic location: 4p15.32.
Variant type: single nucleotide variant.
Coding change: c.781A>G on transcript NM_006017.3 (MANE Select); coding-DNA position 781, A replaced by G.
Protein change: p.Thr261Ala; replaces threonine 261 with alanine.
Molecular consequence: missense variant.
Genome position (GRCh38, 1-based): chr4:16,023,329, T>C on the plus strand (A>G on the coding strand, the complement: PROM1 is on the minus strand). VCF-style: chr4-16023329-T-C. GRCh37 (hg19) VCF-style: chr4-16024952-T-C.
Other names: c.754A>G, p.Thr252Ala (NM_001145847.2, NM_001145848.2, NM_001145851.2 and 4 more transcripts); c.781A>G, p.Thr261Ala (NM_001145849.2, NM_001145850.2); short protein forms T252A, T261A.
Identifiers: ClinVar variation 2415947 (VCV002415947.6), dbSNP rs780178374, ClinGen allele CA2866964.